The following is an entry in ClinVar:

NC_000018.9:g.(?_44089712)_(44098801_?)del

Gene: LOXHD1 (lipoxygenase homology PLAT domains 1; minus strand). Cytogenetic location: 18q21.1.
Variant type: Deletion.
Identifiers: ClinVar variation 3242819 (VCV003242819.1).

ClinVar aggregate classification (germline): Likely pathogenic (1 of 4 stars; one submission).

Submission:

Labcorp Genetics (formerly Invitae), Labcorp
Classification: Likely pathogenic. Last evaluated: 2023-11-28. Review status: criteria provided, single submitter. Criteria: Invitae Variant Classification Sherloc (09022015). Collection method: clinical testing. Allele origin: unknown.
Comment: This variant results in the deletion of exon 33 and part of exon 34 (c.5086-582_5280delins119) of the LOXHD1 gene. It is expected to disrupt RNA splicing. Variants that disrupt the donor or acceptor splice site typically lead to a loss of protein function (PMID: 16199547), and loss-of-function variants in LOXHD1 are known to be pathogenic (PMID: 19732867, 21465660, 25792669). This variant has not been reported in the literature in individuals affected with LOXHD1-related conditions. This variant disrupts a region of the LOXHD1 protein in which other variant(s) (p.Lys1735Arg) have been observed in individuals with LOXHD1-related conditions (Invitae). This suggests that this is a clinically significant region of the protein, and that variants that disrupt it are likely to be disease-causing. In summary, the currently available evidence indicates that the variant is pathogenic, but additional data are needed to prove that conclusively. Therefore, this variant has been classified as Likely Pathogenic.

Literature cited by the submitters: PubMed 16199547; PubMed 19732867; PubMed 21465660; PubMed 25792669.